The following is an entry in ClinVar:

NM_004064.5(CDKN1B):c.284C>A (p.Pro95His)

Gene: CDKN1B (cyclin dependent kinase inhibitor 1B; plus strand). Cytogenetic location: 12p13.1.
Variant type: single nucleotide variant.
Coding change: c.284C>A on transcript NM_004064.5 (MANE Select); coding-DNA position 284, C replaced by A.
Protein change: p.Pro95His; replaces proline 95 with histidine.
Molecular consequence: missense variant.
Genome position (GRCh38, 1-based): chr12:12,718,123, C>A. VCF-style: chr12-12718123-C-A. GRCh37 (hg19) VCF-style: chr12-12871057-C-A.
Other names: short protein forms P95H.
Identifiers: ClinVar variation 1489224 (VCV001489224.10), dbSNP rs200141048, ClinGen allele CA383970019.

ClinVar aggregate classification (germline): Uncertain significance. Review status: criteria provided, multiple submitters, no conflicts (2 of 4 stars). 2 submissions from 2 submitters: Uncertain significance (2). Last evaluated 2025-09-13.

Conditions:
Hereditary cancer-predisposing syndrome. Also called: Neoplastic Syndromes, Hereditary; Tumor predisposition; Hereditary neoplastic syndrome; Hereditary Cancer Syndrome. Identifiers: Orphanet 140162, MedGen C0027672, MeSH D009386, MONDO:0015356.
Multiple endocrine neoplasia type 4. Also called: MULTIPLE ENDOCRINE NEOPLASIA, TYPE IV. Identifiers: Orphanet 276152, MedGen C1970712, MONDO:0012552, OMIM 610755.

Submissions (2):

Labcorp Genetics (formerly Invitae), Labcorp
Classification: Uncertain significance for Multiple endocrine neoplasia type 4. Last evaluated: 2025-09-13. Review status: criteria provided, single submitter. Criteria: Invitae Variant Classification Sherloc (09022015). Collection method: clinical testing. Allele origin: germline.
Comment: This sequence change replaces proline, which is neutral and non-polar, with histidine, which is basic and polar, at codon 95 of the CDKN1B protein (p.Pro95His). This variant is present in population databases (no rsID available, gnomAD 0.0009%). This variant has not been reported in the literature in individuals affected with CDKN1B-related conditions. ClinVar contains an entry for this variant (Variation ID: 1489224). An algorithm developed to predict the effect of missense changes on protein structure and function (PolyPhen-2) suggests that this variant is likely to be disruptive. In summary, the available evidence is currently insufficient to determine the role of this variant in disease. Therefore, it has been classified as a Variant of Uncertain Significance.

Ambry Genetics
Classification: Uncertain significance for Hereditary cancer-predisposing syndrome. Last evaluated: 2024-03-13. Review status: criteria provided, single submitter. Criteria: Ambry Variant Classification Scheme 2023. Collection method: clinical testing. Allele origin: germline.
Comment: The p.P95H variant (also known as c.284C>A), located in coding exon 1 of the CDKN1B gene, results from a C to A substitution at nucleotide position 284. The proline at codon 95 is replaced by histidine, an amino acid with similar properties. This amino acid position is not well conserved in available vertebrate species. In addition, this alteration is predicted to be tolerated by in silico analysis. Since supporting evidence is limited at this time, the clinical significance of this alteration remains unclear.